The following is an entry in ClinVar:

ClinVar aggregate classification (germline): Conflicting classifications of pathogenicity. Review status: criteria provided, conflicting classifications (1 of 4 stars). 2 submissions from 2 submitters: Uncertain significance (1); Likely benign (1). Last evaluated 2018-01-13.

Conditions:
Hyperinsulinism-hyperammonemia syndrome (HHF6). Identifiers: Orphanet 35878, MedGen C1847555, MONDO:0011717, OMIM 606762.

Allele frequency attached by ClinVar (database versions not stated): gnomAD exomes below 0.00001.
gnomAD v4.1: 4 of 1,463,034 alleles (0.00027%); highest among the groups gnomAD compares: South Asian, 0.0012%; no homozygotes.

Submissions (2):

Illumina Laboratory Services, Illumina
Classification: Uncertain significance for Hyperinsulinism-hyperammonemia syndrome. Last evaluated: 2018-01-13. Review status: criteria provided, single submitter. Criteria: ICSL Variant Classification Criteria 13 December 2019. Collection method: clinical testing. Allele origin: germline.

GeneDx
Classification: Likely benign. Last evaluated: 2016-09-15. Review status: criteria provided, single submitter. Criteria: GeneDx Variant Classification (06012015). Collection method: clinical testing. Allele origin: germline. Affected: yes.
Comment: This variant is considered likely benign or benign based on one or more of the following criteria: it is a conservative change, it occurs at a poorly conserved position in the protein, it is predicted to be benign by multiple in silico algorithms, and/or has population frequency not consistent with disease.

NM_005271.5(GLUD1):c.-44C>T

Genes: SHLD2 (shieldin complex subunit 2; plus strand), GLUD1 (glutamate dehydrogenase 1; minus strand). Cytogenetic location: 10q23.2.
Variant type: single nucleotide variant.
Coding change: c.-44C>T on transcript NM_005271.5 (MANE Select); 44 bases upstream of the start codon, C replaced by T.
Molecular consequence: 5 prime UTR variant.
Genome position (GRCh38, 1-based): chr10:87,094,813, G>A on the plus strand (C>T on the coding strand, the complement: GLUD1 is on the minus strand). VCF-style: chr10-87094813-G-A. GRCh37 (hg19) VCF-style: chr10-88854570-G-A.
Other names: c.-772C>T (NM_001318904.2); c.-898C>T (NM_001318905.2); c.-605C>T (NM_001318906.2).
Identifiers: ClinVar variation 301401 (VCV000301401.5), dbSNP rs886047379, ClinGen allele CA10632737.
Genomic context (GRCh38, chr10:87,094,813, plus strand): 5'-CCCAGGTAGCGGTACATGGCCACAAGCGGAGGGGAGGTGCGTGATGGTCGCGAAACAGGC[G>A]CGCTTTCTCAGACTCCCCGCGACTAGGGAGGAAGGGTCCCGCGCGGGTTGCCCTTTTAAG-3'